The following is an entry in ClinVar:

ClinVar aggregate classification (germline): Uncertain significance (1 of 4 stars; one submission).

Conditions:
Oto-palato-digital syndrome, type II (OPD2). Also called: FACIOPALATOOSSEOUS SYNDROME; OPD II SYNDROME; Otopalatodigital Syndrome, Type II; Otopalatodigital Syndrome Type 2 (FLNA-OPD2). Identifiers: Orphanet 669, Orphanet 90652, MedGen C1844696, MONDO:0010571, OMIM 304120.
Heterotopia, periventricular, X-linked dominant (PVNH1). Also called: PERIVENTRICULAR NODULAR HETEROTOPIA 1; X-linked periventricular heterotopia; PERIVENTRICULAR NODULAR HETEROTOPIA 4; HETEROTOPIA, PERIVENTRICULAR, 1. Identifiers: Orphanet 2149, Orphanet 82004, MedGen C1848213, MONDO:0010233, OMIM 300049.
Frontometaphyseal dysplasia (FMD1). Identifiers: Orphanet 1826, MedGen C0265293, MONDO:0015942.
Melnick-Needles syndrome (MNS). Also called: MELNICK-NEEDLES OSTEODYSPLASTY; OSTEODYSPLASTY OF MELNICK AND NEEDLES; Melnick-Needles Syndrome (FLNA-MNS). Identifiers: Orphanet 2484, MedGen C0025237, MONDO:0010650, OMIM 309350.

Submission:

Labcorp Genetics (formerly Invitae), Labcorp
Classification: Uncertain significance for Oto-palato-digital syndrome, type II; Heterotopia, periventricular, X-linked dominant; Frontometaphyseal dysplasia; Melnick-Needles syndrome. Last evaluated: 2023-06-21. Review status: criteria provided, single submitter. Criteria: Invitae Variant Classification Sherloc (09022015). Collection method: clinical testing. Allele origin: germline.
Comment: This variant is not present in population databases (gnomAD no frequency). This variant has not been reported in the literature in individuals affected with FLNA-related conditions. Variants that disrupt the consensus splice site are a relatively common cause of aberrant splicing (PMID: 17576681, 9536098). Algorithms developed to predict the effect of sequence changes on RNA splicing suggest that this variant may disrupt the consensus splice site. In summary, the available evidence is currently insufficient to determine the role of this variant in disease. Therefore, it has been classified as a Variant of Uncertain Significance. This sequence change affects codon 855 of the FLNA mRNA. It is a 'silent' change, meaning that it does not change the encoded amino acid sequence of the FLNA protein. This variant also falls at the last nucleotide of exon 17, which is part of the consensus splice site for this exon.

Literature cited by the submitters: PubMed 17576681; PubMed 9536098.

NM_001110556.2(FLNA):c.2565G>A (p.Gln855=)

Gene: FLNA (filamin A; minus strand). Cytogenetic location: Xq28.
Variant type: single nucleotide variant.
Coding change: c.2565G>A on transcript NM_001110556.2 (MANE Select); coding-DNA position 2565, G replaced by A.
Protein change: p.Gln855=; no amino-acid change (glutamine 855 retained).
Molecular consequence: synonymous variant.
Genome position (GRCh38, 1-based): chrX:154,362,418, C>T on the plus strand (G>A on the coding strand, the complement: FLNA is on the minus strand). VCF-style: chrX-154362418-C-T. GRCh37 (hg19) VCF-style: chrX-153590786-C-T.
Other names: c.2565G>A, p.Gln855= (NM_001456.4).
Identifiers: ClinVar variation 2945650 (VCV002945650.3), dbSNP rs139029754, ClinGen allele CA337281717.